The following is an entry in ClinVar:

ClinVar aggregate classification (germline): Conflicting classifications of pathogenicity. Review status: criteria provided, conflicting classifications (1 of 4 stars). 3 submissions from 2 submitters: Uncertain significance (1); Benign (1); Likely benign (1). Last evaluated 2024-01-22.

Conditions:
Familial hyperthyroidism due to mutations in TSH receptor. Also called: HYPERTHYROIDISM, CONGENITAL NONAUTOIMMUNE; HYPERTHYROIDISM, NONAUTOIMMUNE, AUTOSOMAL DOMINANT; TOXIC THYROID HYPERPLASIA, AUTOSOMAL DOMINANT. Identifiers: Orphanet 424, MedGen C1836706, MONDO:0012203, OMIM 609152.
Hypothyroidism due to TSH receptor mutations. Also called: Hypothyroidism, congenital, nongoitrous, 1; HYPOTHYROIDISM DUE TO UNRESPONSIVENESS TO THYROTROPIN; HYPOTHYROIDISM, CONGENITAL, DUE TO TSH RESISTANCE; HYPOTHYROIDISM, NONAUTOIMMUNE; THYROID-STIMULATING HORMONE, RESISTANCE TO; TSH RESISTANCE. Identifiers: Orphanet 90673, MedGen C3493776, MONDO:0010142, OMIM 275200.

Allele frequency attached by ClinVar (database versions not stated): gnomAD 0.00001; TOPMed 0.00001; ExAC 0.00002; gnomAD exomes 0.00003.
gnomAD v4.1: 19 of 1,614,104 alleles (0.0012%); highest among the groups gnomAD compares: South Asian, 0.012%; no homozygotes.

Submissions (3):

Labcorp Genetics (formerly Invitae), Labcorp
Classification: Likely benign. Last evaluated: 2024-01-22. Review status: criteria provided, single submitter. Criteria: Invitae Variant Classification Sherloc (09022015). Collection method: clinical testing. Allele origin: germline.

Illumina Laboratory Services, Illumina
Classification: Benign for Familial hyperthyroidism due to mutations in TSH receptor. Last evaluated: 2017-05-02. Review status: criteria provided, single submitter. Criteria: ICSL Variant Classification Criteria 13 December 2019. Collection method: clinical testing. Allele origin: germline.
Comment: This variant was observed as part of a predisposition screen in an ostensibly healthy population. A literature search was performed for the gene, cDNA change, and amino acid change (where applicable). No publications were found based on this search. Allele frequency data from public databases was too high to be consistent with this variant causing disease. Therefore, this variant is classified as benign.

Illumina Laboratory Services, Illumina
Classification: Uncertain significance for Hypothyroidism due to TSH receptor mutations. Last evaluated: 2017-04-27. Review status: criteria provided, single submitter. Criteria: ICSL Variant Classification Criteria 13 December 2019. Collection method: clinical testing. Allele origin: germline.

NM_000369.5(TSHR):c.1656C>T (p.Leu552=)

Genes: TSHR-AS1 (TSHR antisense RNA 1; minus strand), TSHR (thyroid stimulating hormone receptor; plus strand). Cytogenetic location: 14q31.1.
Variant type: single nucleotide variant.
Coding change: c.1656C>T on transcript NM_000369.5 (MANE Select); coding-DNA position 1656, C replaced by T.
Protein change: p.Leu552=; no amino-acid change (leucine 552 retained).
Molecular consequence: synonymous variant.
Genome position (GRCh38, 1-based): chr14:81,143,714, C>T. VCF-style: chr14-81143714-C-T. GRCh37 (hg19) VCF-style: chr14-81610058-C-T.
Identifiers: ClinVar variation 887256 (VCV000887256.7), dbSNP rs746360455, ClinGen allele CA7294505.
Genomic context (GRCh38, chr14:81,143,714, plus strand): 5'-GATCCGCCTCAGGCACGCATGTGCCATCATGGTTGGGGGCTGGGTTTGCTGCTTCCTTCT[C>T]GCCCTGCTTCCTTTGGTGGGAATAAGTAGCTATGCCAAAGTCAGTATCTGCCTGCCCATG-3'
Protein context (NP_000360.2, residues 542-562): MVGGWVCCFL[Leu552=]ALLPLVGISS